The following is an entry in ClinVar:

ClinVar aggregate classification (germline): Uncertain significance. Review status: criteria provided, multiple submitters, no conflicts (2 of 4 stars). 3 submissions from 3 submitters: Uncertain significance (3). Last evaluated 2025-10-29.

Conditions:
Inborn genetic diseases. Identifiers: MedGen C0950123, MeSH D030342.

Allele frequency attached by ClinVar (database versions not stated): TOPMed 0.00005; gnomAD exomes 0.00006 and 0.00007; ESP Exome Variant Server 0.00017; 1000 Genomes Project 0.00020; ExAC 0.00005; gnomAD 0.00009; 1000 Genomes Project 30x 0.00016.
gnomAD v4.1: 104 of 1,605,544 alleles (0.0065%); highest among the groups gnomAD compares: Non-Finnish European, 0.0078%; no homozygotes.

Submissions (3):

Ambry Genetics
Classification: Uncertain significance for Inborn genetic diseases. Last evaluated: 2025-10-29. Review status: criteria provided, single submitter. Criteria: Ambry Variant Classification Scheme 2023. Collection method: clinical testing. Allele origin: germline.

GeneDx
Classification: Uncertain significance. Last evaluated: 2021-12-29. Review status: criteria provided, single submitter. Criteria: GeneDx Variant Classification Process June 2021. Collection method: clinical testing. Allele origin: germline. Affected: yes.
Comment: Not observed at significant frequency in large population cohorts (gnomAD); In silico analysis supports that this missense variant has a deleterious effect on protein structure/function; Has not been previously published as pathogenic or benign to our knowledge

Breakthrough Genomics
Classification: Uncertain significance. Review status: criteria provided, single submitter. Criteria: ACMG Guidelines, 2015. Collection method: not provided. Allele origin: germline. Inheritance: Autosomal dominant inheritance. Affected: yes.

NM_018993.4(RIN2):c.403C>T (p.Arg135Cys)

Gene: RIN2 (Ras and Rab interactor 2; plus strand). Cytogenetic location: 20p11.23.
Variant type: single nucleotide variant.
Coding change: c.403C>T on transcript NM_018993.4 (MANE Select); coding-DNA position 403, C replaced by T.
Protein change: p.Arg135Cys; replaces arginine 135 with cysteine.
Molecular consequence: missense variant. On other transcripts: 5 prime UTR variant (1).
Genome position (GRCh38, 1-based): chr20:19,960,751, C>T. VCF-style: chr20-19960751-C-T. GRCh37 (hg19) VCF-style: chr20-19941395-C-T.
Other names: c.550C>T, p.Arg184Cys (NM_001242581.2); c.-143C>T (NM_001378238.1); short protein forms R135C, R184C.
Identifiers: ClinVar variation 1190187 (VCV001190187.9), dbSNP rs201981815, ClinGen allele CA9779816.